The following is an entry in ClinVar:

ClinVar aggregate classification (germline): Uncertain significance (1 of 4 stars; one submission).

Conditions:
Gnathodiaphyseal dysplasia (GDD). Also called: GNATHODIAPHYSEAL SCLEROSIS; OSTEOGENESIS IMPERFECTA WITH UNUSUAL SKELETAL LESIONS. Identifiers: Orphanet 53697, MedGen C1833736, MONDO:0008151, OMIM 166260.
Autosomal recessive limb-girdle muscular dystrophy type 2L (LGMDR12). Also called: Limb-girdle muscular dystrophy, type 2L; MUSCULAR DYSTROPHY, LIMB-GIRDLE, AUTOSOMAL RECESSIVE 12; Limb-Girdle Muscular Dystrophy R12 Anoctamin-5-Related (LGMD-R12). Identifiers: Orphanet 206549, MedGen C1969785, MONDO:0012652, OMIM 611307.

Submission:

Labcorp Genetics (formerly Invitae), Labcorp
Classification: Uncertain significance for Autosomal recessive limb-girdle muscular dystrophy type 2L; Gnathodiaphyseal dysplasia. Last evaluated: 2024-10-29. Review status: criteria provided, single submitter. Criteria: Invitae Variant Classification Sherloc (09022015). Collection method: clinical testing. Allele origin: germline.
Comment: This sequence change replaces arginine, which is basic and polar, with proline, which is neutral and non-polar, at codon 641 of the ANO5 protein (p.Arg641Pro). This variant is not present in population databases (gnomAD no frequency). This missense change has been observed in individual(s) with clinical features of ANO5-related disorders (PMID: 36913258). Invitae Evidence Modeling of protein sequence and biophysical properties (such as structural, functional, and spatial information, amino acid conservation, physicochemical variation, residue mobility, and thermodynamic stability) has been performed for this missense variant. However, the output from this modeling did not meet the statistical confidence thresholds required to predict the impact of this variant on ANO5 protein function. In summary, the available evidence is currently insufficient to determine the role of this variant in disease. Therefore, it has been classified as a Variant of Uncertain Significance.

Literature cited by the submitters: PubMed 36913258.

NM_213599.3(ANO5):c.1922G>C (p.Arg641Pro)

Gene: ANO5 (anoctamin 5; plus strand). Cytogenetic location: 11p14.3.
Variant type: single nucleotide variant.
Coding change: c.1922G>C on transcript NM_213599.3 (MANE Select); coding-DNA position 1922, G replaced by C.
Protein change: p.Arg641Pro; replaces arginine 641 with proline.
Molecular consequence: missense variant.
Genome position (GRCh38, 1-based): chr11:22,270,335, G>C. VCF-style: chr11-22270335-G-C. GRCh37 (hg19) VCF-style: chr11-22291881-G-C.
Other names: c.1919G>C, p.Arg640Pro (NM_001142649.2); c.1880G>C, p.Arg627Pro (NM_001410963.1); c.1877G>C, p.Arg626Pro (NM_001410964.1); short protein forms R626P, R627P, R640P, R641P.
Identifiers: ClinVar variation 3749716 (VCV003749716.2).
Genomic context (GRCh38, chr11:22,270,335, plus strand): 5'-TCCTATTTCATATATTAACTTTTATCACTTCCAACAGCTTGGCTTTGAATTGGTGGAGAC[G>C]CCGAAAAGCTCGGACAAACTCTGAGAAGCTGTATAGTCGATGGGAGCAGGATCATGACCT-3'
Protein context (NP_998764.1, residues 631-651): IYPLALNWWR[Arg641Pro]RKARTNSEKL